The following is an entry in ClinVar:

ClinVar aggregate classification (germline): Conflicting classifications of pathogenicity. Review status: criteria provided, conflicting classifications (1 of 4 stars). 2 submissions from 2 submitters: Uncertain significance (1); Likely benign (1). Last evaluated 2023-07-26.

Conditions:
Inborn genetic diseases. Identifiers: MedGen C0950123, MeSH D030342.

gnomAD v4.1: 7 of 1,595,132 alleles (0.00044%); highest among the groups gnomAD compares: African/African-American, 0.0067%; no homozygotes.

Submissions (2):

Blueprint Genetics
Classification: Likely benign. Last evaluated: 2023-07-26. Review status: criteria provided, single submitter. Criteria: ACMG Guidelines, 2015. Collection method: clinical testing. Allele origin: germline.

Ambry Genetics
Classification: Uncertain significance for Inborn genetic diseases. Last evaluated: 2021-10-20. Review status: criteria provided, single submitter. Criteria: Ambry Variant Classification Scheme 2023. Collection method: clinical testing. Allele origin: germline.
Comment: The c.623+6A>G intronic alteration consists of a A to G substitution 6 nucleotides after exon 6 of the EPRS gene. Based on insufficient or conflicting evidence, the clinical significance of this alteration remains unclear.

NM_004446.3(EPRS1):c.623+6A>G

Gene: EPRS1 (glutamyl-prolyl-tRNA synthetase 1; minus strand). Cytogenetic location: 1q41.
Variant type: single nucleotide variant.
Coding change: c.623+6A>G on transcript NM_004446.3 (MANE Select); 6 bases into the intron after coding-DNA position 623, A replaced by G.
Molecular consequence: intron variant.
Genome position (GRCh38, 1-based): chr1:220,030,380, T>C on the plus strand (A>G on the coding strand, the complement: EPRS1 is on the minus strand). VCF-style: chr1-220030380-T-C. GRCh37 (hg19) VCF-style: chr1-220203722-T-C.
Identifiers: ClinVar variation 3089887 (VCV003089887.2), dbSNP rs376359550, ClinGen allele CA37525408.
Genomic context (GRCh38, chr1:220,030,380, plus strand): 5'-TAATCACTGTTTTAAAGCTTTCCCACTAAATATATTCAATTATAAATGTGAGTTACATTT[T>C]CTTACCCACTGGCCTCTGGAGGAAATCTGACGGTAACCTTTCCCATCTCCGCACCTGGAA-3'